The following is an entry in ClinVar:

GRCh38/hg38 4p16.3(chr4:72555-3847154)x3

Genes: TMEM271 (transmembrane protein 271; minus strand), TNIP2 (TNFAIP3 interacting protein 2; minus strand), UVSSA (UV stimulated scaffold protein A; plus strand), ZFYVE28 (zinc finger FYVE-type containing 28; minus strand), ZNF141 (zinc finger protein 141; plus strand) and 280 more. Cytogenetic location: 4p16.3.
Variant type: copy number gain.
Change: copy number 3 (three copies instead of two) of chr4:72,555-3,847,154 (3.77 Mb, GRCh38 coordinates, 1-based), cytogenetic band 4p16.3.
Identifiers: ClinVar variation 57933 (VCV000057933.1).

ClinVar aggregate classification (germline): Pathogenic (1 of 4 stars; one submission).

Submission:

ISCA site 4
Classification: Pathogenic. Last evaluated: 2011-08-12. Review status: criteria provided, single submitter. Criteria: Kaminsky et al. (Genet Med. 2011). Collection method: clinical testing. Allele origin: unknown. Affected: yes. Observed: 1 variant allele.
Comment: Copy number variation identified through the course of routine clinical cytogenomic testing in postnatal populations. Clinical assertions have been curated as described in Kaminsky et al. 2011.